The following is an entry in ClinVar:

NM_213647.3(FGFR4):c.1949G>T (p.Arg650Leu)

Gene: FGFR4 (fibroblast growth factor receptor 4; plus strand). Cytogenetic location: 5q35.2.
Variant type: single nucleotide variant.
Coding change: c.1949G>T on transcript NM_213647.3 (MANE Select); coding-DNA position 1949, G replaced by T.
Protein change: p.Arg650Leu; replaces arginine 650 with leucine.
Molecular consequence: missense variant.
Genome position (GRCh38, 1-based): chr5:177,096,291, G>T. VCF-style: chr5-177096291-G-T. GRCh37 (hg19) VCF-style: chr5-176523292-G-T.
Other names: c.1745G>T, p.Arg582Leu (NM_001291980.2); c.1949G>T, p.Arg650Leu (NM_001354984.2, NM_002011.5); c.1829G>T, p.Arg610Leu (NM_022963.3); short protein forms R582L, R610L, R650L.
Identifiers: ClinVar variation 4530040 (VCV004530040.1).
Genomic context (GRCh38, chr5:177,096,291, plus strand): 5'-GGTGGCAGGCACGAGGACCTGTGGGACTCTGCACTGAGGCCCTCTCTCCCCTCCAGGGCC[G>T]CCTGCCTGTGAAGTGGATGGCGCCCGAGGCCTTGTTTGACCGGGTGTACACACACCAGAG-3'
Protein context (NP_998812.1, residues 640-660): IDYYKKTSNG[Arg650Leu]LPVKWMAPEA

ClinVar aggregate classification (somatic clinical impact): Tier II - Potential (1 of 4 stars; one submission).

Conditions:
Embryonal rhabdomyosarcoma (ERMS). Also called: Botryoid rhabdomyosarcoma (type of ERMS); Spindle cell rhabdomyosarcomas (type of ERMS). Identifiers: Orphanet 99757, MedGen C0206656, MONDO:0009993, HP:0006743.

gnomAD v4.1: 1 of 1,614,096 alleles (0.000062%); highest among the groups gnomAD compares: East Asian, 0.0022%; no homozygotes.

Submission:

Institute for Genomic Medicine (IGM) Clinical Laboratory, Nationwide Children's Hospital
Classification: Tier II - Potential for Embryonal rhabdomyosarcoma. Assertion type: diagnostic. Clinical significance: supports diagnosis. Last evaluated: 2025-10-10. Review status: criteria provided, single submitter. Criteria: AMP/ASCO/CAP Guidelines, 2017. Collection method: clinical testing. Allele origin: somatic. Affected: yes.
Comment: Variant has Tier II (potential) clinical significance as a diagnostic inclusion criterion in embryonal rhabdomyosarcoma, based on the following evidence: 1) Appears in one or more well-established professional guidelines (e.g., World Health Organization [WHO]; National Comprehensive Cancer Network [NCCN]) as providing diagnostic, prognostic, or therapeutic information. 2) Information in the literature supports potential biologic effect of variant. 3) Diagnostic significance based on multiple small studies (Evidence Level C; PMIDs: 24436047, 34166060, 24332040, 25768946, 19809159).

Literature cited by the submitters: PubMed 24436047; PubMed 34166060; PubMed 24332040; PubMed 25768946; PubMed 19809159.